The following is an entry in ClinVar:

NM_001170629.2(CHD8):c.7337C>T (p.Thr2446Met)

Gene: CHD8 (chromodomain helicase DNA binding protein 8; minus strand). Cytogenetic location: 14q11.2.
Variant type: single nucleotide variant.
Coding change: c.7337C>T on transcript NM_001170629.2 (MANE Select); coding-DNA position 7337, C replaced by T.
Protein change: p.Thr2446Met; replaces threonine 2446 with methionine.
Molecular consequence: missense variant.
Genome position (GRCh38, 1-based): chr14:21,386,022, G>A on the plus strand (C>T on the coding strand, the complement: CHD8 is on the minus strand). VCF-style: chr14-21386022-G-A. GRCh37 (hg19) VCF-style: chr14-21854181-G-A.
Other names: c.7337C>T (NM_001170629.1); c.6500C>T, p.Thr2167Met (NM_020920.4); short protein forms T2446M, T2167M.
Identifiers: ClinVar variation 1961673 (VCV001961673.7), dbSNP rs763909898, ClinGen allele CA7090553.
Genomic context (GRCh38, chr14:21,386,022, plus strand): 5'-GTGGCACTGCTGTGACCCAAAGATGACACAGACTGTAGGCCACTACTGCTGTGTTGGAAC[G>A]TGTTATGCAGAGATAGAGACCCAGTGCTTCCACCCTGCATGAGGGCCATCATCTTAGAAA-3'
Protein context (NP_001164100.1, residues 2436-2456): GSTGSLSLHN[Thr2446Met]FQHSSSGLQS

ClinVar aggregate classification (germline): Conflicting classifications of pathogenicity. Review status: criteria provided, conflicting classifications (1 of 4 stars). 2 submissions from 2 submitters: Uncertain significance (1); Likely benign (1). Last evaluated 2023-08-19.

Conditions:
Inborn genetic diseases. Identifiers: MedGen C0950123, MeSH D030342.

Allele frequency attached by ClinVar (database versions not stated): gnomAD 0.00001; gnomAD exomes 0.00001; TOPMed 0.00002; ExAC 0.00005.
gnomAD v4.1: 9 of 1,596,120 alleles (0.00056%); highest among the groups gnomAD compares: East Asian, 0.0068%; no homozygotes.

Submissions (2):

Labcorp Genetics (formerly Invitae), Labcorp
Classification: Uncertain significance. Last evaluated: 2023-08-19. Review status: criteria provided, single submitter. Criteria: Invitae Variant Classification Sherloc (09022015). Collection method: clinical testing. Allele origin: germline.
Comment: In summary, the available evidence is currently insufficient to determine the role of this variant in disease. Therefore, it has been classified as a Variant of Uncertain Significance. An algorithm developed to predict the effect of missense changes on protein structure and function (PolyPhen-2) suggests that this variant is likely to be disruptive. ClinVar contains an entry for this variant (Variation ID: 1961673). This variant has not been reported in the literature in individuals affected with CHD8-related conditions. The frequency data for this variant in the population databases is considered unreliable, as metrics indicate poor data quality at this position in the gnomAD database. This sequence change replaces threonine, which is neutral and polar, with methionine, which is neutral and non-polar, at codon 2446 of the CHD8 protein (p.Thr2446Met).

Ambry Genetics
Classification: Likely benign for Inborn genetic diseases. Last evaluated: 2023-03-24. Review status: criteria provided, single submitter. Criteria: Ambry Variant Classification Scheme 2023. Collection method: clinical testing. Allele origin: germline.